The following is an entry in ClinVar:

NM_000051.4(ATM):c.2657C>G (p.Ala886Gly)

Gene: ATM (ATM serine/threonine kinase; plus strand). Cytogenetic location: 11q22.3.
Variant type: single nucleotide variant.
Coding change: c.2657C>G on transcript NM_000051.4 (MANE Select); coding-DNA position 2657, C replaced by G.
Protein change: p.Ala886Gly; replaces alanine 886 with glycine.
Molecular consequence: missense variant.
Genome position (GRCh38, 1-based): chr11:108,268,428, C>G. VCF-style: chr11-108268428-C-G. GRCh37 (hg19) VCF-style: chr11-108139155-C-G.
Other names: c.2657C>G, p.Ala886Gly (NM_001351834.2); short protein forms A886G.
Identifiers: ClinVar variation 925965 (VCV000925965.8), dbSNP rs2081381149, ClinGen allele CA382545048.

ClinVar aggregate classification (germline): Uncertain significance. Review status: criteria provided, multiple submitters, no conflicts (2 of 4 stars). 4 submissions from 4 submitters: Uncertain significance (4). Last evaluated 2024-10-10.

Conditions:
Hereditary cancer-predisposing syndrome. Also called: Tumor predisposition; Hereditary neoplastic syndrome; Neoplastic Syndromes, Hereditary; Hereditary Cancer Syndrome. Identifiers: Orphanet 140162, MedGen C0027672, MeSH D009386, MONDO:0015356.
Ataxia-telangiectasia syndrome (AT). Also called: Ataxia-telangiectasia, complementation group D; Cerebello-oculocutaneous telangiectasia; Immunodeficiency with ataxia telangiectasia; LOUIS-BAR SYNDROME; Ataxia-telangiectasia; AT, COMPLEMENTATION GROUP C. Identifiers: Orphanet 100, MedGen C0004135, MONDO:0008840, OMIM 208900.

Submissions (4):

Labcorp Genetics (formerly Invitae), Labcorp
Classification: Uncertain significance for Ataxia-telangiectasia syndrome. Last evaluated: 2024-10-10. Review status: criteria provided, single submitter. Criteria: Invitae Variant Classification Sherloc (09022015). Collection method: clinical testing. Allele origin: germline.
Comment: This sequence change replaces alanine, which is neutral and non-polar, with glycine, which is neutral and non-polar, at codon 886 of the ATM protein (p.Ala886Gly). This variant is not present in population databases (gnomAD no frequency). This variant has not been reported in the literature in individuals affected with ATM-related conditions. ClinVar contains an entry for this variant (Variation ID: 925965). Invitae Evidence Modeling of protein sequence and biophysical properties (such as structural, functional, and spatial information, amino acid conservation, physicochemical variation, residue mobility, and thermodynamic stability) indicates that this missense variant is not expected to disrupt ATM protein function with a negative predictive value of 95%. In summary, the available evidence is currently insufficient to determine the role of this variant in disease. Therefore, it has been classified as a Variant of Uncertain Significance.

Color Diagnostics, LLC DBA Color Health
Classification: Uncertain significance for Hereditary cancer-predisposing syndrome. Last evaluated: 2023-12-05. Review status: criteria provided, single submitter. Criteria: ACMG Guidelines, 2015. Collection method: clinical testing. Allele origin: germline.
Comment: This missense variant replaces alanine with glycine at codon 886 of the ATM protein. Computational prediction suggests that this variant may not impact protein structure and function (internally defined REVEL score threshold <= 0.5, PMID: 27666373). To our knowledge, functional studies have not been reported for this variant. This variant has not been reported in individuals affected with ATM-related disorders in the literature. This variant has not been identified in the general population by the Genome Aggregation Database (gnomAD). The available evidence is insufficient to determine the role of this variant in disease conclusively. Therefore, this variant is classified as a Variant of Uncertain Significance.

Ambry Genetics
Classification: Uncertain significance for Hereditary cancer-predisposing syndrome. Last evaluated: 2023-09-27. Review status: criteria provided, single submitter. Criteria: Ambry Variant Classification Scheme 2023. Collection method: clinical testing. Allele origin: germline.
Comment: The p.A886G variant (also known as c.2657C>G), located in coding exon 17 of the ATM gene, results from a C to G substitution at nucleotide position 2657. The alanine at codon 886 is replaced by glycine, an amino acid with similar properties. This amino acid position is conserved. In addition, this alteration is predicted to be tolerated by in silico analysis. Since supporting evidence is limited at this time, the clinical significance of this alteration remains unclear.

Mendelics
Classification: Uncertain significance. Last evaluated: 2022-05-04. Review status: criteria provided, single submitter. Criteria: Mendelics Assertion Criteria 2019. Collection method: clinical testing. Allele origin: germline.